The following is an entry in ClinVar:

NC_000004.12:g.(?_5689147)_(5689353_?)del

Gene: EVC2 (EvC ciliary complex subunit 2; minus strand). Cytogenetic location: 4p16.2.
Variant type: Deletion.
Identifiers: ClinVar variation 647967 (VCV000647967.4).

ClinVar aggregate classification (germline): Pathogenic (1 of 4 stars; one submission).

Conditions:
Curry-Hall syndrome (WAD). Also called: WEYERS ACRODENTAL DYSOSTOSIS. Identifiers: Orphanet 952, MedGen C0457013, MONDO:0008673, OMIM 193530.
Ellis-van Creveld syndrome (EVC). Also called: Chondroectodermal dysplasia; MESOECTODERMAL DYSPLASIA; EVC-Related Ellis-van Creveld Syndrome; EVC2-Related Ellis-van Creveld Syndrome. Identifiers: Orphanet 289, MedGen C0013903, MONDO:0009162, OMIM 225500.

Submission:

Labcorp Genetics (formerly Invitae), Labcorp
Classification: Pathogenic for Curry-Hall syndrome; Ellis-van Creveld syndrome. Last evaluated: 2018-08-27. Review status: criteria provided, single submitter. Criteria: Invitae Variant Classification Sherloc (09022015). Collection method: clinical testing. Allele origin: germline.
Comment: For these reasons, this variant has been classified as Pathogenic. Loss-of-function variants in EVC2 are known to be pathogenic (PMID: 17024374, 19810119, 19876929). This variant has not been reported in the literature in individuals with EVC2-related disease. This variant is an out-of-frame deletion of the genomic region encompassing exon 5 of the EVC2 gene. This is expected to create a premature translational stop signal and result in an absent or disrupted protein product.

Literature cited by the submitters: PubMed 17024374; PubMed 19810119; PubMed 19876929.